The following is an entry in ClinVar:

NM_182914.3(SYNE2):c.4394A>G (p.His1465Arg)

Gene: SYNE2 (spectrin repeat containing nuclear envelope protein 2; plus strand). Cytogenetic location: 14q23.2.
Variant type: single nucleotide variant.
Coding change: c.4394A>G on transcript NM_182914.3 (MANE Select); coding-DNA position 4394, A replaced by G.
Protein change: p.His1465Arg; replaces histidine 1465 with arginine.
Molecular consequence: missense variant.
Genome position (GRCh38, 1-based): chr14:64,003,327, A>G. VCF-style: chr14-64003327-A-G. GRCh37 (hg19) VCF-style: chr14-64470045-A-G.
Other names: c.4394A>G, p.His1465Arg (NM_015180.6); c.4394A>G (NM_182914.2); short protein forms H1465R.
Identifiers: ClinVar variation 1491989 (VCV001491989.8), dbSNP rs537177665, ClinGen allele CA7220192.
Genomic context (GRCh38, chr14:64,003,327, plus strand): 5'-ATGTGCAGAGTCAAATCAGTAAAATTGGTCTTAAGGATCCTACTGTTCCAGCTGTGAAAC[A>G]TCGGTAAGTATTGTCCATCCATTTCCATCCAAGGTGACTGACATCTTTCTGTATTTTCAC-3'
Protein context (NP_878918.2, residues 1455-1475): LKDPTVPAVK[His1465Arg]RKKSLIRLDK

ClinVar aggregate classification (germline): Uncertain significance. Review status: criteria provided, multiple submitters, no conflicts (2 of 4 stars). 2 submissions from 2 submitters: Uncertain significance (2). Last evaluated 2025-04-29.

Conditions:
Emery-Dreifuss muscular dystrophy 5, autosomal dominant (EDMD5). Also called: EMERY-DREIFUSS MUSCULAR DYSTROPHY 5. Identifiers: Orphanet 261, MedGen C2751805, MONDO:0013072, OMIM 612999.

Allele frequency attached by ClinVar (database versions not stated): gnomAD 0.00002 and 0.00003; TOPMed 0.00002; 1000 Genomes Project 30x 0.00016; 1000 Genomes Project 0.00020.
gnomAD v4.1: 45 of 1,614,100 alleles (0.0028%); highest among the groups gnomAD compares: Middle Eastern, 0.033%; no homozygotes.

Submissions (2):

Labcorp Genetics (formerly Invitae), Labcorp
Classification: Uncertain significance for Emery-Dreifuss muscular dystrophy 5, autosomal dominant. Last evaluated: 2025-04-29. Review status: criteria provided, single submitter. Criteria: Invitae Variant Classification Sherloc (09022015). Collection method: clinical testing. Allele origin: germline.
Comment: This sequence change replaces histidine, which is basic and polar, with arginine, which is basic and polar, at codon 1465 of the SYNE2 protein (p.His1465Arg). This variant is present in population databases (rs537177665, gnomAD 0.007%). This variant has not been reported in the literature in individuals affected with SYNE2-related conditions. ClinVar contains an entry for this variant (Variation ID: 1491989). An algorithm developed to predict the effect of missense changes on protein structure and function (PolyPhen-2) suggests that this variant is likely to be tolerated. In summary, the available evidence is currently insufficient to determine the role of this variant in disease. Therefore, it has been classified as a Variant of Uncertain Significance.

Revvity Omics, Revvity
Classification: Uncertain significance for Emery-Dreifuss muscular dystrophy 5, autosomal dominant. Last evaluated: 2019-12-26. Review status: criteria provided, single submitter. Criteria: ACMG Guidelines, 2015. Collection method: clinical testing. Allele origin: germline.